The following is an entry in ClinVar:

NM_004715.5(CTDP1):c.863+389C>T

Gene: CTDP1 (CTD phosphatase 1; plus strand). Cytogenetic location: 18q23.
Variant type: single nucleotide variant.
Coding change: c.863+389C>T on transcript NM_004715.5 (MANE Select); 389 bases into the intron after coding-DNA position 863, C replaced by T.
Molecular consequence: intron variant.
Genome position (GRCh38, 1-based): chr18:79,710,825, C>T. VCF-style: chr18-79710825-C-T. GRCh37 (hg19) VCF-style: chr18-77470825-C-T.
Other names: IVS6, C-T, +389; c.863+389C>T (NM_001318511.2, NM_048368.4); c.506+389C>T (NM_001202504.1).
Identifiers: ClinVar variation 5301 (VCV000005301.55), dbSNP rs113994102, ClinGen allele CA340394.

ClinVar aggregate classification (germline): Pathogenic/Likely pathogenic. Review status: criteria provided, multiple submitters, no conflicts (2 of 4 stars). 11 submissions from 11 submitters: Pathogenic (5); Likely pathogenic (1). 5 of the submissions do not count toward it. Last evaluated 2026-08-26.

Conditions:
Charcot-Marie-Tooth disease. Also called: Charcot-Marie-Tooth Hereditary Neuropathy; Charcot-Marie-Tooth Neuropathy. Identifiers: Orphanet 166, MedGen C0007959, MONDO:0015626.
Congenital cataracts-facial dysmorphism-neuropathy syndrome (CCFDN). Also called: CATARACT, CONGENITAL, WITH FACIAL DYSMORPHISM AND NEUROPATHY; CTDP1-Related Congenital Cataracts, Facial Dysmorphism, and Neuropathy. Identifiers: Orphanet 48431, MedGen C1858726, MONDO:0011402, OMIM 604168.

Submissions (11):

Broad Center for Mendelian Genomics, Broad Institute of MIT and Harvard
Classification: Likely pathogenic for Congenital cataracts-facial dysmorphism-neuropathy syndrome. Last evaluated: 2026-08-26. Review status: criteria provided, single submitter. Criteria: ACMG Guidelines, 2015. Collection method: research. Allele origin: germline. Inheritance: Autosomal recessive inheritance. Study: GREGoR Consortium.
Comment: The c.863+389C>T variant in CTDP1 has been reported in at least 30 Romani individuals with CCFDN (PMID: 23408394, 24690360, 14517542, 32454992), and was absent from large population studies. Of the 30+ affected individuals, all were homozygotes, which increases the likelihood that the c.863+389C>T variant is pathogenic (PMID: 23408394, 24690360, 14517542, 32454992). This variant has been reported in ClinVar (Variation ID: 5301) and has been interpreted as pathogenic by University of Leipzig Medical Center, GeneDx, Labcorp Genetics (formerly Invitae), 3billion, and CeGaT Center for Human Genetics Tuebingen. Computational tools predict a splicing impact, though this information is not predictive enough to determine pathogenicity. RT-PCR analysis showed the insertion of 95 nucleotides in a proportion of transcripts, which alters the protein's amino acid sequence and leads to a premature termination codon (PMID: 14517542). This alteration is then predicted to lead to a truncated or absent protein. Loss of function of the CTDP1 gene is an established disease mechanism in autosomal recessive CCFDN. In summary, although additional studies are required to fully establish its clinical significance, this variant is likely pathogenic for autosomal recessive. CCFDN. ACMG/AMP Criteria applied: PVS1_strong, PM3, PM2_supporting (Richards 2015).

CeGaT Center for Human Genetics Tuebingen
Classification: Pathogenic. Last evaluated: 2026-06-01. Review status: criteria provided, single submitter. Criteria: CeGaT Center For Human Genetics Tuebingen Variant Classification Criteria Version 2. Collection method: clinical testing. Allele origin: germline. Affected: yes. Observed: 14 variant alleles.
Comment: CTDP1: PM3:Very Strong, PM2, PS3:Supporting

Institute of Human Genetics, University of Leipzig Medical Center
Classification: Pathogenic for Congenital cataracts-facial dysmorphism-neuropathy syndrome. Last evaluated: 2026-04-13. Review status: criteria provided, single submitter. Criteria: ACMG Guidelines, 2015. Collection method: clinical testing. Allele origin: paternal. Inheritance: Autosomal recessive inheritance. Affected: yes.
Comment: Criteria applied: PVS1,PM2,PM3

GeneDx
Classification: Pathogenic. Last evaluated: 2025-07-18. Review status: criteria provided, single submitter. Criteria: GeneDx Variant Classification Process June 2021. Collection method: clinical testing. Allele origin: germline. Affected: yes.
Comment: RNA studies found this variant activates an upstream cryptic splice acceptor site resulting in an insertion of 95 nucleotides of the Alu sequence in the processed mRNA (PMID: 14517542); No data available from control populations to assess the frequency of this variant; This variant is associated with the following publications: (PMID: 32454992, 34958143, 16194727, 15322984, 14517542, 23408394, 24690360, 25429913, 19823873)

3billion
Classification: Pathogenic for Congenital cataracts-facial dysmorphism-neuropathy syndrome. Last evaluated: 2025-05-10. Review status: criteria provided, single submitter. Criteria: ACMG Guidelines, 2015. Collection method: clinical testing. Allele origin: germline. Affected: yes.
Comment: The variant is not observed in the gnomAD v4.1.0 dataset. Predicted Consequence/Location: Intron variant: previously reported to alter splicing (PMID: 14517542). Intron variant: previously reported to alter splicing (PMID: 14517542). Therefore, this variant is classified as Pathogenic according to the recommendation of ACMG/AMP guideline.

Labcorp Genetics (formerly Invitae), Labcorp
Classification: Pathogenic. Last evaluated: 2023-03-27. Review status: criteria provided, single submitter. Criteria: Invitae Variant Classification Sherloc (09022015). Collection method: clinical testing. Allele origin: germline.
Comment: This variant has been observed in individual(s) with congenital cataracts, facial dysmorphism, and neuropathy (PMID: 14517542, 23408394, 24690360, 29174527). It is commonly reported in individuals of Romani ancestry (PMID: 24690360, 29174527). This variant is not present in population databases (gnomAD no frequency). This sequence change falls in intron 6 of the CTDP1 gene. It does not directly change the encoded amino acid sequence of the CTDP1 protein. ClinVar contains an entry for this variant (Variation ID: 5301). For these reasons, this variant has been classified as Pathogenic. Studies have shown that this variant is associated with altered splicing resulting in multiple RNA products (PMID: 14517542).

OMIM
Classification: Pathogenic for CONGENITAL CATARACTS, FACIAL DYSMORPHISM, AND NEUROPATHY. Last evaluated: 2004-10-01. Review status: no assertion criteria provided. Collection method: literature only. Allele origin: germline. Not counted in ClinVar's aggregate classification.

Clinical Genetics, Academic Medical Center
Classification: Pathogenic. Review status: no assertion criteria provided. Collection method: clinical testing. Allele origin: germline. Affected: yes. Study: VKGL Data-share Consensus. Not counted in ClinVar's aggregate classification.

GeneReviews
No classification provided. Condition: Congenital cataracts-facial dysmorphism-neuropathy syndrome. Review status: no classification provided. Collection method: literature only. Allele origin: unknown. Not counted in ClinVar's aggregate classification.

Inherited Neuropathy Consortium
Classification: Pathogenic for Charcot-Marie-Tooth disease. Review status: no assertion criteria provided. Collection method: literature only. Allele origin: germline. Affected: yes. Not counted in ClinVar's aggregate classification.

Joint Genome Diagnostic Labs from Nijmegen and Maastricht, Radboudumc and MUMC+
Classification: Pathogenic. Review status: no assertion criteria provided. Collection method: clinical testing. Allele origin: germline. Affected: yes. Study: VKGL Data-share Consensus. Not counted in ClinVar's aggregate classification.

Literature cited by the submitters: PubMed 16194727 (cited by 3billion and Inherited Neuropathy Consortium); PubMed 14517542 (cited by 3 submitters); PubMed 23408394 (cited by Labcorp Genetics (formerly Invitae), Labcorp); PubMed 24690360 (cited by Labcorp Genetics (formerly Invitae), Labcorp); PubMed 29174527 (cited by Labcorp Genetics (formerly Invitae), Labcorp); PubMed 15322984 (cited by OMIM); PubMed 20301787 (cited by GeneReviews); NCBI Bookshelf NBK25565 (cited by GeneReviews).